The following is an entry in ClinVar:

ClinVar aggregate classification (germline): Uncertain significance. Review status: criteria provided, multiple submitters, no conflicts (2 of 4 stars). 2 submissions from 2 submitters: Uncertain significance (2). Last evaluated 2025-12-15.

Conditions:
Inborn genetic diseases. Identifiers: MedGen C0950123, MeSH D030342.
Autosomal recessive nonsyndromic hearing loss 1B. Also called: DEAFNESS, AUTOSOMAL RECESSIVE 1B. Identifiers: Orphanet 90636, MedGen C2675235, MONDO:0012977, OMIM 612645.
Autosomal recessive nonsyndromic hearing loss 1A (DFNB1A). Also called: Connexin 26 deafness; Deafness nonsyndromic, Connexin 26 linked; GJB6-Related DFNB 1 Nonsyndromic Hearing Loss and Deafness; Deafness, autosomal recessive 1A; Nonsyndromic Hearing Loss and Deafness, DFNB1; GJB2-Related Autosomal Recessive Nonsyndromic Hearing Loss. Identifiers: Orphanet 90636, MedGen C2673759, MONDO:0009076, OMIM 220290.
Autosomal dominant nonsyndromic hearing loss 3B. Identifiers: Orphanet 90635, MedGen C2675237, MONDO:0012975, OMIM 612643.
Hidrotic ectodermal dysplasia syndrome (GJB6). Also called: Hidrotic ectodermal dysplasia; CLOUSTON HIDROTIC ECTODERMAL DYSPLASIA; Ectodermal dysplasia 2, hidrotic; Autosomal dominant hidrotic ectodermal dysplasia; Clouston syndrome; Clouston's hidrotic ectodermal dysplasia. Identifiers: Orphanet 189, MedGen C0162361, MONDO:0007510, OMIM 129500.

Allele frequency attached by ClinVar (database versions not stated): gnomAD exomes below 0.00001.
gnomAD v4.1: 7 of 1,614,156 alleles (0.00043%); highest among the groups gnomAD compares: East Asian, 0.0045%; no homozygotes.

Submissions (2):

Ambry Genetics
Classification: Uncertain significance for Inborn genetic diseases. Last evaluated: 2025-12-15. Review status: criteria provided, single submitter. Criteria: Ambry Variant Classification Scheme 2023. Collection method: clinical testing. Allele origin: germline.
Comment: The c.602T>C (p.I201T) alteration is located in exon 3 (coding exon 1) of the GJB6 gene. This alteration results from a T to C substitution at nucleotide position 602, causing the isoleucine (I) at amino acid position 201 to be replaced by a threonine (T). Based on data from gnomAD, the C allele has an overall frequency of <0.001% (1/251410) total alleles studied. The highest observed frequency was 0.003% (1/34586) of Latino alleles. Based on insufficient or conflicting evidence, the clinical significance of this alteration remains unclear.

Labcorp Genetics (formerly Invitae), Labcorp
Classification: Uncertain significance for Autosomal dominant nonsyndromic hearing loss 3B; Hidrotic ectodermal dysplasia syndrome; Autosomal recessive nonsyndromic hearing loss 1B; Autosomal recessive nonsyndromic hearing loss 1A. Last evaluated: 2024-03-22. Review status: criteria provided, single submitter. Criteria: Invitae Variant Classification Sherloc (09022015). Collection method: clinical testing. Allele origin: germline.
Comment: This sequence change replaces isoleucine, which is neutral and non-polar, with threonine, which is neutral and polar, at codon 201 of the GJB6 protein (p.Ile201Thr). This variant is present in population databases (no rsID available, gnomAD 0.003%). This variant has not been reported in the literature in individuals affected with GJB6-related conditions. ClinVar contains an entry for this variant (Variation ID: 2226175). Advanced modeling of protein sequence and biophysical properties (such as structural, functional, and spatial information, amino acid conservation, physicochemical variation, residue mobility, and thermodynamic stability) performed at Invitae indicates that this missense variant is expected to disrupt GJB6 protein function with a positive predictive value of 80%. In summary, the available evidence is currently insufficient to determine the role of this variant in disease. Therefore, it has been classified as a Variant of Uncertain Significance.

NM_001110219.3(GJB6):c.602T>C (p.Ile201Thr)

Gene: GJB6 (gap junction protein beta 6; minus strand). Cytogenetic location: 13q12.11.
Variant type: single nucleotide variant.
Coding change: c.602T>C on transcript NM_001110219.3 (MANE Select); coding-DNA position 602, T replaced by C.
Protein change: p.Ile201Thr; replaces isoleucine 201 with threonine.
Molecular consequence: missense variant.
Genome position (GRCh38, 1-based): chr13:20,222,879, A>G on the plus strand (T>C on the coding strand, the complement: GJB6 is on the minus strand). VCF-style: chr13-20222879-A-G. GRCh37 (hg19) VCF-style: chr13-20797018-A-G.
Other names: c.602T>C, p.Ile201Thr (NM_001110220.3, NM_001110221.3, NM_001370090.1 and 3 more transcripts); short protein forms I201T.
Identifiers: ClinVar variation 2226175 (VCV002226175.5), dbSNP rs1162472989, ClinGen allele CA387467666.